The following is an entry in ClinVar:

NM_002637.4(PHKA1):c.2006C>T (p.Ala669Val)

Gene: PHKA1 (phosphorylase kinase regulatory subunit alpha 1; minus strand). Cytogenetic location: Xq13.1.
Variant type: single nucleotide variant.
Coding change: c.2006C>T on transcript NM_002637.4 (MANE Select); coding-DNA position 2006, C replaced by T.
Protein change: p.Ala669Val; replaces alanine 669 with valine.
Molecular consequence: missense variant. On other transcripts: intron variant (1).
Genome position (GRCh38, 1-based): chrX:72,620,856, G>A on the plus strand (C>T on the coding strand, the complement: PHKA1 is on the minus strand). VCF-style: chrX-72620856-G-A. GRCh37 (hg19) VCF-style: chrX-71840706-G-A.
Other names: c.2006C>T, p.Ala669Val (NM_001122670.2); c.1961-1551C>T (NM_001172436.2); short protein forms A669V.
Identifiers: ClinVar variation 1371701 (VCV001371701.5), dbSNP rs1556276769, ClinGen allele CA413591164.

ClinVar aggregate classification (germline): Uncertain significance (1 of 4 stars; one submission).

Conditions:
Glycogen storage disease IXd (GSD9D). Also called: GSD IXd; Muscle Phosphorylase Kinase Deficiency. Identifiers: Orphanet 715, MedGen C1845151, MONDO:0010362, OMIM 300559.

Allele frequency attached by ClinVar (database versions not stated): gnomAD exomes 0.00001 and 0.00003.
gnomAD v4.1: 7 of 1,210,550 alleles (0.00058%); highest among the groups gnomAD compares: Admixed American, 0.011%; no homozygotes.

Submission:

Labcorp Genetics (formerly Invitae), Labcorp
Classification: Uncertain significance for Glycogen storage disease IXd. Last evaluated: 2025-01-06. Review status: criteria provided, single submitter. Criteria: Invitae Variant Classification Sherloc (09022015). Collection method: clinical testing. Allele origin: germline.
Comment: This sequence change replaces alanine, which is neutral and non-polar, with valine, which is neutral and non-polar, at codon 669 of the PHKA1 protein (p.Ala669Val). This variant is present in population databases (no rsID available, gnomAD 0.02%). This variant has not been reported in the literature in individuals affected with PHKA1-related conditions. ClinVar contains an entry for this variant (Variation ID: 1371701). Invitae Evidence Modeling of protein sequence and biophysical properties (such as structural, functional, and spatial information, amino acid conservation, physicochemical variation, residue mobility, and thermodynamic stability) indicates that this missense variant is not expected to disrupt PHKA1 protein function with a negative predictive value of 80%. In summary, the available evidence is currently insufficient to determine the role of this variant in disease. Therefore, it has been classified as a Variant of Uncertain Significance.